The following is an entry in ClinVar:

NM_015629.4(PRPF31):c.682GCC[1] (p.Ala229del)

Gene: PRPF31 (pre-mRNA processing factor 31; plus strand). Cytogenetic location: 19q13.42.
Variant type: Microsatellite.
Coding change: c.682GCC[1] on transcript NM_015629.4 (MANE Select); one copy of the 3-base unit GCC starting at c.682; the reference has two copies in a row; one copy, 3 bases deleted.
Protein change: p.Ala229del; deletes alanine 229.
Molecular consequence: inframe deletion.
Genome position (GRCh38, 1-based): chr19:54,123,906-54,123,908, GCC deleted; deleting any 3 consecutive bases within chr19:54,123,903-54,123,908 gives the same sequence; the position shown is the placement nearest the transcript's 3' end. VCF-style (leftmost placement, unchanged base first): chr19-54123902-GGCC-G. GRCh37 (hg19) VCF-style: chr19-54627281-GGCC-G.
Other names: short protein forms A229del.
Identifiers: ClinVar variation 866410 (VCV000866410.7), dbSNP rs2073856361, ClinGen allele CA916083716.

ClinVar aggregate classification (germline): Conflicting classifications of pathogenicity. Review status: criteria provided, conflicting classifications (1 of 4 stars). 2 submissions from 2 submitters: Likely pathogenic (1); Uncertain significance (1). Last evaluated 2025-11-09.

Conditions:
PRPF31-related disorder. Also called: PRPF31-related condition.

Submissions (2):

Labcorp Genetics (formerly Invitae), Labcorp
Classification: Uncertain significance. Last evaluated: 2025-11-09. Review status: criteria provided, single submitter. Criteria: Invitae Variant Classification Sherloc (09022015). Collection method: clinical testing. Allele origin: germline.
Comment: This variant, c.685_687del, results in the deletion of 1 amino acid(s) of the PRPF31 protein (p.Ala229del), but otherwise preserves the integrity of the reading frame. This variant is not present in population databases (gnomAD no frequency). This variant has been observed in individual(s) with retinitis pigmentosa (internal data). ClinVar contains an entry for this variant (Variation ID: 866410). In summary, the available evidence is currently insufficient to determine the role of this variant in disease. Therefore, it has been classified as a Variant of Uncertain Significance.

Blueprint Genetics
Classification: Likely pathogenic for PRPF31-related disorders. Last evaluated: 2022-08-02. Review status: criteria provided, single submitter. Criteria: ACMG Guidelines, 2015. Collection method: clinical testing. Allele origin: germline. Affected: yes. Observed: 5 variant alleles.